The following is an entry in ClinVar:

NM_198525.3(KIF7):c.2527C>T (p.Arg843Cys)

Gene: KIF7 (kinesin family member 7; minus strand). Cytogenetic location: 15q26.1.
Variant type: single nucleotide variant.
Coding change: c.2527C>T on transcript NM_198525.3 (MANE Select); coding-DNA position 2527, C replaced by T.
Protein change: p.Arg843Cys; replaces arginine 843 with cysteine.
Molecular consequence: missense variant.
Genome position (GRCh38, 1-based): chr15:89,633,751, G>A on the plus strand (C>T on the coding strand, the complement: KIF7 is on the minus strand). VCF-style: chr15-89633751-G-A. GRCh37 (hg19) VCF-style: chr15-90176982-G-A.
Other names: short protein forms R843C.
Identifiers: ClinVar variation 1419205 (VCV001419205.7), dbSNP rs374366786, ClinGen allele CA7728116.

ClinVar aggregate classification (germline): Uncertain significance. Review status: criteria provided, multiple submitters, no conflicts (2 of 4 stars). 2 submissions from 2 submitters: Uncertain significance (2). Last evaluated 2023-10-13.

Conditions:
Acrocallosal syndrome (ACLS). Also called: HALLUX DUPLICATION, POSTAXIAL POLYDACTYLY, AND ABSENCE OF CORPUS CALLOSUM; Schinzel syndrome 1; Absence of corpus callosum with unusual facial appearance, mental deficiency, duplication of the halluces and polydactyly. Identifiers: Orphanet 36, MedGen C0796147, MONDO:0008708, OMIM 200990.

Allele frequency attached by ClinVar (database versions not stated): ExAC 0.00003; gnomAD exomes 0.00005 and 0.00013; TOPMed 0.00005; gnomAD 0.00007; ESP Exome Variant Server 0.00008.
gnomAD v4.1: 193 of 1,609,726 alleles (0.012%); highest among the groups gnomAD compares: Non-Finnish European, 0.015%; no homozygotes.

Submissions (2):

Labcorp Genetics (formerly Invitae), Labcorp
Classification: Uncertain significance for Acrocallosal syndrome. Last evaluated: 2023-10-13. Review status: criteria provided, single submitter. Criteria: Invitae Variant Classification Sherloc (09022015). Collection method: clinical testing. Allele origin: germline.
Comment: This sequence change replaces arginine, which is basic and polar, with cysteine, which is neutral and slightly polar, at codon 843 of the KIF7 protein (p.Arg843Cys). The frequency data for this variant in the population databases is considered unreliable, as metrics indicate poor data quality at this position in the gnomAD database. This variant has not been reported in the literature in individuals affected with KIF7-related conditions. ClinVar contains an entry for this variant (Variation ID: 1419205). Advanced modeling of protein sequence and biophysical properties (such as structural, functional, and spatial information, amino acid conservation, physicochemical variation, residue mobility, and thermodynamic stability) performed at Invitae indicates that this missense variant is not expected to disrupt KIF7 protein function. In summary, the available evidence is currently insufficient to determine the role of this variant in disease. Therefore, it has been classified as a Variant of Uncertain Significance.

Blueprint Genetics
Classification: Uncertain significance. Last evaluated: 2023-02-09. Review status: criteria provided, single submitter. Criteria: ACMG Guidelines, 2015. Collection method: clinical testing. Allele origin: germline.